The following is an entry in ClinVar:

ClinVar aggregate classification (germline): Uncertain significance (1 of 4 stars; one submission).

Conditions:
Hereditary cancer-predisposing syndrome. Also called: Neoplastic Syndromes, Hereditary; Tumor predisposition; Hereditary neoplastic syndrome; Hereditary Cancer Syndrome. Identifiers: Orphanet 140162, MedGen C0027672, MeSH D009386, MONDO:0015356.

Submission:

Ambry Genetics
Classification: Uncertain significance for Hereditary cancer-predisposing syndrome. Last evaluated: 2023-11-16. Review status: criteria provided, single submitter. Criteria: Ambry Variant Classification Scheme 2023. Collection method: clinical testing. Allele origin: germline.
Comment: The p.L1489I variant (also known as c.4465T>A), located in coding exon 22 of the DICER1 gene, results from a T to A substitution at nucleotide position 4465. The leucine at codon 1489 is replaced by isoleucine, an amino acid with highly similar properties. This amino acid position is conserved. In addition, this alteration is predicted to be tolerated by in silico analysis. Since supporting evidence is limited at this time, the clinical significance of this alteration remains unclear.

NM_177438.3(DICER1):c.4465T>A (p.Leu1489Ile)

Gene: DICER1 (dicer 1, ribonuclease III; minus strand). Cytogenetic location: 14q32.13.
Variant type: single nucleotide variant.
Coding change: c.4465T>A on transcript NM_177438.3 (MANE Select); coding-DNA position 4465, T replaced by A.
Protein change: p.Leu1489Ile; replaces leucine 1489 with isoleucine.
Molecular consequence: missense variant. On other transcripts: non-coding transcript variant (6).
Genome position (GRCh38, 1-based): chr14:95,096,455, A>T on the plus strand (T>A on the coding strand, the complement: DICER1 is on the minus strand). VCF-style: chr14-95096455-A-T. GRCh37 (hg19) VCF-style: chr14-95562792-A-T.
Other names: c.4465T>A, p.Leu1489Ile (NM_001195573.1, NM_001271282.3, NM_001291628.2 and 13 more transcripts); c.4183T>A, p.Leu1395Ile (NM_001395686.1); c.4060T>A, p.Leu1354Ile (NM_001395687.1, NM_001395688.1, NM_001395689.1 and 2 more transcripts); c.3898T>A, p.Leu1300Ile (NM_001395691.1); c.2782T>A, p.Leu928Ile (NM_001395697.1); short protein forms L1300I, L1354I, L1395I, L1489I, L928I.
Identifiers: ClinVar variation 3229411 (VCV003229411.1), dbSNP rs2139849904, ClinGen allele CA390868299.